The following is an entry in ClinVar:

ClinVar aggregate classification (germline): Uncertain significance (1 of 4 stars; one submission).

gnomAD v4.1: 1 of 1,614,102 alleles (0.000062%); highest among the groups gnomAD compares: South Asian, 0.0011%; no homozygotes.

Submission:

Ambry Genetics
Classification: Uncertain significance. Last evaluated: 2026-04-20. Review status: criteria provided, single submitter. Criteria: Ambry Variant Classification Scheme 2023. Collection method: clinical testing. Allele origin: germline.
Comment: The p.P997L variant (also known as c.2990C>T), located in coding exon 1 of the TET2 gene, results from a C to T substitution at nucleotide position 2990. The proline at codon 997 is replaced by leucine, an amino acid with similar properties. This amino acid position is conserved. In addition, this alteration is predicted to be tolerated by in silico analysis. Based on the available evidence, the clinical significance of this variant remains unclear.

NM_001127208.3(TET2):c.2990C>T (p.Pro997Leu)

Genes: TET2 (tet methylcytosine dioxygenase 2; plus strand), TET2-AS1 (TET2 antisense RNA 1; minus strand). Cytogenetic location: 4q24.
Variant type: single nucleotide variant.
Coding change: c.2990C>T on transcript NM_001127208.3 (MANE Select); coding-DNA position 2990, C replaced by T.
Protein change: p.Pro997Leu; replaces proline 997 with leucine.
Molecular consequence: missense variant.
Genome position (GRCh38, 1-based): chr4:105,236,932, C>T. VCF-style: chr4-105236932-C-T. GRCh37 (hg19) VCF-style: chr4-106158089-C-T.
Other names: c.2990C>T, p.Pro997Leu (NM_017628.4); short protein forms P997L.
Identifiers: ClinVar variation 4865549 (VCV004865549.1).